The following is an entry in ClinVar:

ClinVar aggregate classification (germline): Uncertain significance (1 of 4 stars; one submission).

Submission:

Ambry Genetics
Classification: Uncertain significance. Last evaluated: 2026-01-21. Review status: criteria provided, single submitter. Criteria: Ambry Variant Classification Scheme 2023. Collection method: clinical testing. Allele origin: germline.
Comment: The c.655G>A (p.A219T) alteration is located in exon 9 (coding exon 9) of the UBA3 gene. This alteration results from a G to A substitution at nucleotide position 655, causing the alanine (A) at amino acid position 219 to be replaced by a threonine (T). Based on data from gnomAD, the A allele has an overall frequency of 0.003% (1/31386) total alleles studied. The highest observed frequency was 0.012% (1/8712) of African alleles. Based on insufficient or conflicting evidence, the clinical significance of this alteration remains unclear.

NM_003968.4(UBA3):c.655G>A (p.Ala219Thr)

Gene: UBA3 (ubiquitin like modifier activating enzyme 3; minus strand). Cytogenetic location: 3p14.1.
Variant type: single nucleotide variant.
Coding change: c.655G>A on transcript NM_003968.4 (MANE Select); coding-DNA position 655, G replaced by A.
Protein change: p.Ala219Thr; replaces alanine 219 with threonine.
Molecular consequence: missense variant.
Genome position (GRCh38, 1-based): chr3:69,063,020, C>T on the plus strand (G>A on the coding strand, the complement: UBA3 is on the minus strand). VCF-style: chr3-69063020-C-T. GRCh37 (hg19) VCF-style: chr3-69112171-C-T.
Other names: c.532G>A, p.Ala178Thr (NM_001363861.1); c.613G>A, p.Ala205Thr (NM_198195.2); short protein forms A205T, A219T, A178T.
Identifiers: ClinVar variation 4839460 (VCV004839460.1).